The following is an entry in ClinVar:

NM_002519.3(NPAT):c.1027A>G (p.Ile343Val)

Gene: NPAT (nuclear protein, coactivator of histone transcription; minus strand). Cytogenetic location: 11q22.3.
Variant type: single nucleotide variant.
Coding change: c.1027A>G on transcript NM_002519.3 (MANE Select); coding-DNA position 1027, A replaced by G.
Protein change: p.Ile343Val; replaces isoleucine 343 with valine.
Molecular consequence: missense variant.
Genome position (GRCh38, 1-based): chr11:108,176,351, T>C on the plus strand (A>G on the coding strand, the complement: NPAT is on the minus strand). VCF-style: chr11-108176351-T-C. GRCh37 (hg19) VCF-style: chr11-108047078-T-C.
Other names: c.1027A>G, p.Ile343Val (NM_001321307.1); short protein forms I343V.
Identifiers: ClinVar variation 1925954 (VCV001925954.5), dbSNP rs754763988, ClinGen allele CA6264086.
Genomic context (GRCh38, chr11:108,176,351, plus strand): 5'-CATCTGCTAAGACTATACTGGGATTGGATTCCATAGGTTGACTGGAAATACTTTGTGATA[T>C]ATTTTTATTATTCTTTGTTTTGCCTGTTAAAAAGGGAATATGGAAATAATTAAATGACCA-3'
Protein context (NP_002510.2, residues 333-353): DYGKTKNNKN[Ile343Val]SQSISSQPME

ClinVar aggregate classification (germline): Uncertain significance (1 of 4 stars; one submission).

Allele frequency attached by ClinVar (database versions not stated): gnomAD exomes below 0.00001; ExAC 0.00001.

Submission:

Labcorp Genetics (formerly Invitae), Labcorp
Classification: Uncertain significance. Last evaluated: 2022-10-23. Review status: criteria provided, single submitter. Criteria: Invitae Variant Classification Sherloc (09022015). Collection method: clinical testing. Allele origin: germline.
Comment: In summary, the available evidence is currently insufficient to determine the role of this variant in disease. Therefore, it has been classified as a Variant of Uncertain Significance. Algorithms developed to predict the effect of missense changes on protein structure and function output the following: SIFT: "Tolerated"; PolyPhen-2: "Benign"; Align-GVGD: "Class C0". The valine amino acid residue is found in multiple mammalian species, which suggests that this missense change does not adversely affect protein function. This variant has not been reported in the literature in individuals affected with NPAT-related conditions. This variant is present in population databases (rs754763988, gnomAD 0.006%). This sequence change replaces isoleucine, which is neutral and non-polar, with valine, which is neutral and non-polar, at codon 343 of the NPAT protein (p.Ile343Val).